The following is an entry in ClinVar:

ClinVar aggregate classification (germline): Uncertain significance. Review status: criteria provided, multiple submitters, no conflicts (2 of 4 stars). 2 submissions from 2 submitters: Uncertain significance (2). Last evaluated 2025-02-28.

Conditions:
Inborn genetic diseases. Identifiers: MedGen C0950123, MeSH D030342.

gnomAD v4.1: 18 of 1,612,244 alleles (0.0011%); highest among the groups gnomAD compares: East Asian, 0.031%; no homozygotes.

Submissions (2):

Ambry Genetics
Classification: Uncertain significance for Inborn genetic diseases. Last evaluated: 2025-02-28. Review status: criteria provided, single submitter. Criteria: Ambry Variant Classification Scheme 2023. Collection method: clinical testing. Allele origin: germline.

Labcorp Genetics (formerly Invitae), Labcorp
Classification: Uncertain significance. Last evaluated: 2021-08-29. Review status: criteria provided, single submitter. Criteria: Invitae Variant Classification Sherloc (09022015). Collection method: clinical testing. Allele origin: germline.
Comment: This sequence change replaces alanine with glutamic acid at codon 119 of the PIGP protein (p.Ala119Glu). The alanine residue is highly conserved and there is a moderate physicochemical difference between alanine and glutamic acid. This variant is present in population databases (rs745437791, ExAC 0.02%). This variant has not been reported in the literature in individuals affected with PIGP-related conditions. Algorithms developed to predict the effect of missense changes on protein structure and function are either unavailable or do not agree on the potential impact of this missense change (SIFT: "Deleterious"; PolyPhen-2: "Probably Damaging"; Align-GVGD: "Class C0"). In summary, the available evidence is currently insufficient to determine the role of this variant in disease. Therefore, it has been classified as a Variant of Uncertain Significance.

NM_153682.3(PIGP):c.284C>A (p.Ala95Glu)

Gene: PIGP (phosphatidylinositol glycan anchor biosynthesis class P; minus strand). Cytogenetic location: 21q22.13.
Variant type: single nucleotide variant.
Coding change: c.284C>A on transcript NM_153682.3 (MANE Select); coding-DNA position 284, C replaced by A.
Protein change: p.Ala95Glu; replaces alanine 95 with glutamic acid.
Molecular consequence: missense variant.
Genome position (GRCh38, 1-based): chr21:37,065,703, G>T on the plus strand (C>A on the coding strand, the complement: PIGP is on the minus strand). VCF-style: chr21-37065703-G-T. GRCh37 (hg19) VCF-style: chr21-38438003-G-T.
Other names: c.284C>A, p.Ala95Glu (NM_001320480.2); c.206C>A, p.Ala69Glu (NM_016430.4); c.356C>A, p.Ala119Glu (NM_153681.2); short protein forms A69E, A95E, A119E.
Identifiers: ClinVar variation 1519755 (VCV001519755.7), dbSNP rs745437791, ClinGen allele CA10021043.